The following is an entry in ClinVar:

NM_004104.5(FASN):c.3829C>G (p.Pro1277Ala)

Gene: FASN (fatty acid synthase; minus strand). Cytogenetic location: 17q25.3.
Variant type: single nucleotide variant.
Coding change: c.3829C>G on transcript NM_004104.5 (MANE Select); coding-DNA position 3829, C replaced by G.
Protein change: p.Pro1277Ala; replaces proline 1277 with alanine.
Molecular consequence: missense variant.
Genome position (GRCh38, 1-based): chr17:82,085,775, G>C on the plus strand (C>G on the coding strand, the complement: FASN is on the minus strand). VCF-style: chr17-82085775-G-C. GRCh37 (hg19) VCF-style: chr17-80043651-G-C.
Other names: short protein forms P1277A.
Identifiers: ClinVar variation 462045 (VCV000462045.14), dbSNP rs764159372, ClinGen allele CA8852263.
Genomic context (GRCh38, chr17:82,085,775, plus strand): 5'-ACTGGCCCTGGGCAACGTCGTGCTGCTGCAGCTCGGCCTGGGCAGCCTCCAGGGCCTGGG[G>C]GTGGCGGTCGGTGGCCGTGTAGCTCAGCTGCAGCAGGGGATGGGGGCTGAGCAGGCCTGG-3'
Protein context (NP_004095.4, residues 1267-1287): QLSYTATDRH[Pro1277Ala]QALEAAQAEL

ClinVar aggregate classification (germline): Conflicting classifications of pathogenicity. Review status: criteria provided, conflicting classifications (1 of 4 stars). 4 submissions from 4 submitters: Uncertain significance (1); Benign (1); Likely benign (1). 1 of the submissions does not count toward it. Last evaluated 2026-09-14.

Conditions:
Neurodevelopmental disorder. Identifiers: MedGen C1535926, MeSH D065886, MONDO:0700092.
FASN-related disorder. Also called: FASN-related condition.
Epileptic encephalopathy. Identifiers: MedGen C0543888, HP:0200134.

Allele frequency attached by ClinVar (database versions not stated): gnomAD 0.00021 and 0.00022; gnomAD exomes 0.00022 and 0.00152; TOPMed 0.00061; 1000 Genomes Project 30x 0.00078; ExAC 0.00122.
gnomAD v4.1: 337 of 1,561,396 alleles (0.022%); highest among the groups gnomAD compares: Admixed American, 0.63%; 2 homozygotes.

Submissions (4):

Center for Genomics, Ann and Robert H. Lurie Children's Hospital of Chicago
Classification: Likely benign for Neurodevelopmental disorder. Last evaluated: 2026-09-14. Review status: criteria provided, single submitter. Criteria: ACMG Guidelines, 2015. Collection method: clinical testing. Allele origin: germline.
Comment: This variant has not been reported in the literature in association with disease. It is present in gnomAD (GroupMax FAF: 0.57%, and in 2 homozygotes) and ClinVar (Accession: VCV000462045.13). Evolutionary conservation and computational prediction tools suggest that this variant may not impact protein structure and/or function. In summary, data on this variant suggests that this variant does not cause disease but requires further evidence. Therefore, it is classified as likely benign.

Labcorp Genetics (formerly Invitae), Labcorp
Classification: Benign for Epileptic encephalopathy. Last evaluated: 2026-01-28. Review status: criteria provided, single submitter. Criteria: Invitae Variant Classification Sherloc (09022015). Collection method: clinical testing. Allele origin: germline.

Ambry Genetics
Classification: Uncertain significance. Last evaluated: 2025-09-25. Review status: criteria provided, single submitter. Criteria: Ambry Variant Classification Scheme 2023. Collection method: clinical testing. Allele origin: germline.

PreventionGenetics, part of Exact Sciences
Classification: Benign for FASN-related condition. Last evaluated: 2020-07-27. Review status: no assertion criteria provided. Collection method: clinical testing. Allele origin: germline. Not counted in ClinVar's aggregate classification.
Comment: This variant is classified as benign based on ACMG/AMP sequence variant interpretation guidelines (Richards et al. 2015 PMID: 25741868, with internal and published modifications).